The following is an entry in ClinVar:

NM_001244008.2(KIF1A):c.689A>T (p.His230Leu)

Gene: KIF1A (kinesin family member 1A; minus strand). Cytogenetic location: 2q37.3.
Variant type: single nucleotide variant.
Coding change: c.689A>T on transcript NM_001244008.2 (MANE Select); coding-DNA position 689, A replaced by T.
Protein change: p.His230Leu; replaces histidine 230 with leucine.
Molecular consequence: missense variant.
Genome position (GRCh38, 1-based): chr2:240,785,020, T>A on the plus strand (A>T on the coding strand, the complement: KIF1A is on the minus strand). VCF-style: chr2-240785020-T-A. GRCh37 (hg19) VCF-style: chr2-241724437-T-A.
Other names: c.689A>T, p.His230Leu (NM_001320705.2, NM_001330289.2, NM_001330290.2 and 20 more transcripts); short protein forms H230L.
Identifiers: ClinVar variation 3343418 (VCV003343418.1).

ClinVar aggregate classification (germline): Uncertain significance (1 of 4 stars; one submission).

Submission:

GeneDx
Classification: Uncertain significance. Last evaluated: 2023-05-09. Review status: criteria provided, single submitter. Criteria: GeneDx Variant Classification Process June 2021. Collection method: clinical testing. Allele origin: germline. Affected: yes.
Comment: Not observed at significant frequency in large population cohorts (gnomAD); In silico analysis supports that this missense variant has a deleterious effect on protein structure/function; Has not been previously published as pathogenic or benign to our knowledge; This variant is associated with the following publications: (PMID: 26125038, 21820098, 21376300)